The following is an entry in ClinVar:

ClinVar aggregate classification (germline): Conflicting classifications of pathogenicity. Review status: criteria provided, conflicting classifications (1 of 4 stars). 3 submissions from 3 submitters: Uncertain significance (2); Likely benign (1). Last evaluated 2026-05-26.

Conditions:
Hereditary spastic paraplegia 11. Also called: SPASTIC PARAPLEGIA, AUTOSOMAL RECESSIVE, COMPLICATED, WITH THIN CORPUS CALLOSUM; SPASTIC PARAPLEGIA, AUTOSOMAL RECESSIVE, WITH MENTAL IMPAIRMENT AND THIN CORPUS CALLOSUM; Spastic Paraplegia 11; Nakamura Osame syndrome; Autosomal recessive hereditary spastic paraplegia, mental impairment, and thin corpus callosum; Spastic paraplegia, mental retardation and thin corpus callosum. Identifiers: Orphanet 2822, MedGen C1858479, MONDO:0011445, OMIM 604360.
SPG11-related disorder. Also called: SPG11-related condition.
Inborn genetic diseases. Identifiers: MedGen C0950123, MeSH D030342.

Allele frequency attached by ClinVar (database versions not stated): ExAC 0.00001; gnomAD 0.00004; TOPMed 0.00007; ESP Exome Variant Server 0.00008.
gnomAD v4.1: 16 of 1,614,056 alleles (0.00099%); highest among the groups gnomAD compares: African/African-American, 0.02%; no homozygotes.

Submissions (3):

PreventionGenetics, part of Exact Sciences
Classification: Uncertain significance for SPG11-related condition. Last evaluated: 2026-05-26. Review status: criteria provided, single submitter. Criteria: ACMG Guidelines, 2015. Collection method: clinical testing. Allele origin: germline.
Comment: The SPG11 c.6447C>A variant is predicted to result in the amino acid substitution p.His2149Gln. To our knowledge, this variant has not been reported in the literature. This variant is reported in 0.028% of alleles in individuals of African descent in gnomAD. At this time, the clinical significance of this variant is uncertain due to the absence of conclusive functional and genetic evidence.

Labcorp Genetics (formerly Invitae), Labcorp
Classification: Likely benign for Hereditary spastic paraplegia 11. Last evaluated: 2026-01-11. Review status: criteria provided, single submitter. Criteria: Invitae Variant Classification Sherloc (09022015). Collection method: clinical testing. Allele origin: germline.

Ambry Genetics
Classification: Uncertain significance for Inborn genetic diseases. Last evaluated: 2022-06-17. Review status: criteria provided, single submitter. Criteria: Ambry Variant Classification Scheme 2023. Collection method: clinical testing. Allele origin: germline.

NM_025137.4(SPG11):c.6447C>A (p.His2149Gln)

Gene: SPG11 (SPG11 vesicle trafficking associated, spatacsin; minus strand). Cytogenetic location: 15q21.1.
Variant type: single nucleotide variant.
Coding change: c.6447C>A on transcript NM_025137.4 (MANE Select); coding-DNA position 6447, C replaced by A.
Protein change: p.His2149Gln; replaces histidine 2149 with glutamine.
Molecular consequence: missense variant.
Genome position (GRCh38, 1-based): chr15:44,570,555, G>T on the plus strand (C>A on the coding strand, the complement: SPG11 is on the minus strand). VCF-style: chr15-44570555-G-T. GRCh37 (hg19) VCF-style: chr15-44862753-G-T.
Other names: c.6447C>A (NM_025137.3); c.6108C>A, p.His2036Gln (NM_001160227.2); short protein forms H2149Q, H2036Q.
Identifiers: ClinVar variation 1345956 (VCV001345956.8), dbSNP rs373897153, ClinGen allele CA7534131.
Genomic context (GRCh38, chr15:44,570,555, plus strand): 5'-ATGGAGACTGGGGTTGAGGGGGCTACTTACCACCAGCCCATACTCCTCACTGGGGGCCAG[G>T]TGGTTATCTGTGAGCATGTGGGCGGCCTGTAGGACTCGGATGATGCCCTCCATGTGGCAC-3'
Protein context (NP_079413.3, residues 2139-2159): LQAAHMLTDN[His2149Gln]LAPSEEYGLV